The following is an entry in ClinVar:

ClinVar aggregate classification (germline): Uncertain significance. Review status: criteria provided, multiple submitters, no conflicts (2 of 4 stars). 3 submissions from 3 submitters: Uncertain significance (2). 1 of the submissions does not count toward it. Last evaluated 2022-05-23.

Conditions:
PKD1-related disorder. Also called: PKD1-related condition.
Polycystic kidney disease, adult type (PKD1). Also called: Polycystic Kidney Disease 1, Autosomal Dominant; Polycystic kidney disease 1; Polycystic kidney disease 1, severe; Polycystic Kidney, Autosomal Dominant; POLYCYSTIC KIDNEY DISEASE 1 WITH OR WITHOUT POLYCYSTIC LIVER DISEASE; POLYCYSTIC KIDNEY DISEASE, ADULT, TYPE I. Identifiers: MedGen C3149841, MONDO:0008263, OMIM 173900.

Allele frequency attached by ClinVar (database versions not stated): gnomAD 0.00009; TOPMed 0.00014; ExAC 0.00022.
gnomAD v4.1: 120 of 1,603,350 alleles (0.0075%); highest among the groups gnomAD compares: East Asian, 0.19%; no homozygotes.

Submissions (3):

GeneDx
Classification: Uncertain significance. Last evaluated: 2022-05-23. Review status: criteria provided, single submitter. Criteria: GeneDx Variant Classification Process June 2021. Collection method: clinical testing. Allele origin: germline. Affected: yes.
Comment: Reported in individuals with polycystic kidney disease in the published literature (Jin et al., 2016; Zhang et al., 2005), but it has also been reported in an individual without a known diagnosis of polycystic kidney disease (Fang et al., 2017); Reported in two individuals with polycystic kidney disease who also harbored a different variant in the PKD1 gene (Chang et al., 2013); In silico analysis supports that this missense variant has a deleterious effect on protein structure/function; This variant is associated with the following publications: (PMID: 27782177, 28578020, 15775720, 23985799)

Department of Pathology and Laboratory Medicine, Sinai Health System
Classification: Uncertain significance for Polycystic kidney disease, adult type. Last evaluated: 2020-08-16. Review status: criteria provided, single submitter. Criteria: ACMG Guidelines, 2015. Collection method: research. Allele origin: germline.

PreventionGenetics, part of Exact Sciences
Classification: Likely benign for PKD1-related condition. Last evaluated: 2022-09-07. Review status: no assertion criteria provided. Collection method: clinical testing. Allele origin: germline. Not counted in ClinVar's aggregate classification.
Comment: This variant is classified as likely benign based on ACMG/AMP sequence variant interpretation guidelines (Richards et al. 2015 PMID: 25741868, with internal and published modifications).

NM_001009944.3(PKD1):c.10102G>A (p.Asp3368Asn)

Gene: PKD1 (polycystin 1, transient receptor potential channel interacting; minus strand). Cytogenetic location: 16p13.3.
Variant type: single nucleotide variant.
Coding change: c.10102G>A on transcript NM_001009944.3 (MANE Select); coding-DNA position 10102, G replaced by A.
Protein change: p.Asp3368Asn; replaces aspartic acid 3368 with asparagine.
Molecular consequence: missense variant.
Genome position (GRCh38, 1-based): chr16:2,097,933, C>T on the plus strand (G>A on the coding strand, the complement: PKD1 is on the minus strand). VCF-style: chr16-2097933-C-T. GRCh37 (hg19) VCF-style: chr16-2147934-C-T.
Other names: c.10102G>A, p.Asp3368Asn (NM_000296.4); short protein forms D3368N.
Identifiers: ClinVar variation 1800954 (VCV001800954.4), dbSNP rs762866943, ClinGen allele CA7829809.